The following is an entry in ClinVar:

NM_001379200.1(TBX1):c.212G>A (p.Gly71Asp)

Gene: TBX1 (T-box transcription factor 1; plus strand). Cytogenetic location: 22q11.21.
Variant type: single nucleotide variant.
Coding change: c.212G>A on transcript NM_001379200.1 (MANE Select); coding-DNA position 212, G replaced by A.
Protein change: p.Gly71Asp; replaces glycine 71 with aspartic acid.
Molecular consequence: missense variant.
Genome position (GRCh38, 1-based): chr22:19,761,055, G>A. VCF-style: chr22-19761055-G-A. GRCh37 (hg19) VCF-style: chr22-19748578-G-A.
Other names: c.185G>A, p.Gly62Asp (NM_005992.1, NM_080646.2, NM_080647.1); short protein forms G62D, G71D.
Identifiers: ClinVar variation 2058787 (VCV002058787.4), dbSNP rs2517842117, ClinGen allele CA410681384.

ClinVar aggregate classification (germline): Uncertain significance (1 of 4 stars; one submission).

Conditions:
DiGeorge syndrome. Also called: THIRD AND FOURTH PHARYNGEAL POUCH SYNDROME; Catch22. Identifiers: Orphanet 567, MedGen C0012236, MONDO:0008564, OMIM 188400.

Submission:

Labcorp Genetics (formerly Invitae), Labcorp
Classification: Uncertain significance for DiGeorge syndrome. Last evaluated: 2024-10-22. Review status: criteria provided, single submitter. Criteria: Invitae Variant Classification Sherloc (09022015). Collection method: clinical testing. Allele origin: germline.
Comment: This sequence change replaces glycine, which is neutral and non-polar, with aspartic acid, which is acidic and polar, at codon 62 of the TBX1 protein (p.Gly62Asp). The frequency data for this variant in the population databases is considered unreliable, as metrics indicate insufficient coverage at this position in the gnomAD database. This variant has not been reported in the literature in individuals affected with TBX1-related conditions. ClinVar contains an entry for this variant (Variation ID: 2058787). Invitae Evidence Modeling of protein sequence and biophysical properties (such as structural, functional, and spatial information, amino acid conservation, physicochemical variation, residue mobility, and thermodynamic stability) indicates that this missense variant is not expected to disrupt TBX1 protein function with a negative predictive value of 80%. In summary, the available evidence is currently insufficient to determine the role of this variant in disease. Therefore, it has been classified as a Variant of Uncertain Significance.